The following is an entry in ClinVar:

NM_003002.4(SDHD):c.20T>A (p.Leu7Gln)

Genes: SDHD (succinate dehydrogenase complex subunit D; plus strand), LOC126861339 (BRD4-independent group 4 enhancer GRCh37_chr11:111957035-111958234; plus strand). Cytogenetic location: 11q23.1.
Variant type: single nucleotide variant.
Coding change: c.20T>A on transcript NM_003002.4 (MANE Select); coding-DNA position 20, T replaced by A.
Protein change: p.Leu7Gln; replaces leucine 7 with glutamine.
Molecular consequence: missense variant. On other transcripts: non-coding transcript variant (1).
Genome position (GRCh38, 1-based): chr11:112,086,927, T>A. VCF-style: chr11-112086927-T-A. GRCh37 (hg19) VCF-style: chr11-111957651-T-A.
Other names: c.20T>A, p.Leu7Gln (NM_001276503.2, NM_001276504.2, NM_001276506.2); c.20T>A (NM_003002.2); short protein forms L7Q.
Identifiers: ClinVar variation 1036434 (VCV001036434.12), dbSNP rs1865619523, ClinGen allele CA382616671.
Genomic context (GRCh38, chr11:112,086,927, plus strand): 5'-GGTTCCGGGTTGGTGGATGACCTTGAGCCCTCAGGAACGAGATGGCGGTTCTCTGGAGGC[T>A]GAGTGCCGTTTGCGGTGCCCTAGGAGGCCGAGGTGAGGGGTCTTCCCACCCTGAGGTGCT-3'
Protein context (NP_002993.1, residues 1-17): MAVLWR[Leu7Gln]SAVCGALGGR

ClinVar aggregate classification (germline): Uncertain significance. Review status: criteria provided, multiple submitters, no conflicts (2 of 4 stars). 2 submissions from 2 submitters: Uncertain significance (2). Last evaluated 2026-07-08.

Conditions:
Carney-Stratakis syndrome. Also called: PARAGANGLIOMA AND GASTROINTESTINAL STROMAL TUMOR. Identifiers: Orphanet 97286, MedGen C1847319, MONDO:0011740, OMIM 606864.
Pheochromocytoma. Also called: MAX-Related Hereditary Paraganglioma-Pheochromocytoma Syndrome. Identifiers: Orphanet 29072, MedGen C0031511, MONDO:0008233, OMIM 171300, HP:0002666.
Cowden syndrome 3 (CWS3). Identifiers: Orphanet 201, MedGen CN166604, MONDO:0014045.
Paragangliomas with sensorineural hearing loss. Identifiers: MedGen C1868633.
Hereditary cancer-predisposing syndrome. Also called: Tumor predisposition; Hereditary Cancer Syndrome; Hereditary neoplastic syndrome; Neoplastic Syndromes, Hereditary. Identifiers: Orphanet 140162, MedGen C0027672, MeSH D009386, MONDO:0015356.

Submissions (2):

Ambry Genetics
Classification: Uncertain significance for Hereditary cancer-predisposing syndrome. Last evaluated: 2026-07-08. Review status: criteria provided, single submitter. Criteria: Ambry Variant Classification Scheme 2023. Collection method: clinical testing. Allele origin: germline.
Comment: The p.L7Q variant (also known as c.20T>A), located in coding exon 1 of the SDHD gene, results from a T to A substitution at nucleotide position 20. The leucine at codon 7 is replaced by glutamine, an amino acid with dissimilar properties. This amino acid position is highly conserved in available vertebrate species. In addition, this alteration is predicted to be deleterious by in silico analysis. Based on the available evidence, the clinical significance of this variant remains unclear.

Labcorp Genetics (formerly Invitae), Labcorp
Classification: Uncertain significance for Carney-Stratakis syndrome; Paragangliomas with sensorineural hearing loss; Pheochromocytoma; Cowden syndrome 3. Last evaluated: 2020-08-29. Review status: criteria provided, single submitter. Criteria: Invitae Variant Classification Sherloc (09022015). Collection method: clinical testing. Allele origin: germline.
Comment: This sequence change replaces leucine with glutamine at codon 7 of the SDHD protein (p.Leu7Gln). The leucine residue is moderately conserved and there is a moderate physicochemical difference between leucine and glutamine. In summary, the available evidence is currently insufficient to determine the role of this variant in disease. Therefore, it has been classified as a Variant of Uncertain Significance. Advanced modeling of protein sequence and biophysical properties (such as structural, functional, and spatial information, amino acid conservation, physicochemical variation, residue mobility, and thermodynamic stability) performed at Invitae indicates that this missense variant is not expected to disrupt SDHD protein function. This variant has not been reported in the literature in individuals with SDHD-related conditions. This variant is not present in population databases (ExAC no frequency).